The following is an entry in ClinVar:

NM_002582.4(PARN):c.193T>A (p.Leu65Met)

Gene: PARN (poly(A)-specific ribonuclease; minus strand). Cytogenetic location: 16p13.12.
Variant type: single nucleotide variant.
Coding change: c.193T>A on transcript NM_002582.4 (MANE Select); coding-DNA position 193, T replaced by A.
Protein change: p.Leu65Met; replaces leucine 65 with methionine.
Molecular consequence: missense variant. On other transcripts: intron variant (1).
Genome position (GRCh38, 1-based): chr16:14,627,321, A>T on the plus strand (T>A on the coding strand, the complement: PARN is on the minus strand). VCF-style: chr16-14627321-A-T. GRCh37 (hg19) VCF-style: chr16-14721178-A-T.
Other names: c.10T>A, p.Leu4Met (NM_001134477.3); c.159-185T>A (NM_001242992.2); short protein forms L4M, L65M.
Identifiers: ClinVar variation 2936192 (VCV002936192.3), dbSNP rs2508628676, ClinGen allele CA394816513.

ClinVar aggregate classification (germline): Uncertain significance (1 of 4 stars; one submission).

Conditions:
Dyskeratosis congenita, autosomal recessive 6 (DKCB6). Identifiers: MedGen C4225356, MONDO:0014600, OMIM 616353.
Pulmonary fibrosis and/or bone marrow failure, Telomere-related, 4. Also called: PULMONARY FIBROSIS AND/OR BONE MARROW FAILURE SYNDROME, TELOMERE-RELATED, 4. Identifiers: Orphanet 2032, MedGen C4225347, MONDO:0014612, OMIM 616371.

Submission:

Labcorp Genetics (formerly Invitae), Labcorp
Classification: Uncertain significance for Dyskeratosis congenita, autosomal recessive 6; Pulmonary fibrosis and/or bone marrow failure, Telomere-related, 4. Last evaluated: 2023-05-13. Review status: criteria provided, single submitter. Criteria: Invitae Variant Classification Sherloc (09022015). Collection method: clinical testing. Allele origin: germline.
Comment: In summary, the available evidence is currently insufficient to determine the role of this variant in disease. Therefore, it has been classified as a Variant of Uncertain Significance. Advanced modeling of protein sequence and biophysical properties (such as structural, functional, and spatial information, amino acid conservation, physicochemical variation, residue mobility, and thermodynamic stability) performed at Invitae indicates that this missense variant is not expected to disrupt PARN protein function. This variant has not been reported in the literature in individuals affected with PARN-related conditions. This variant is not present in population databases (gnomAD no frequency). This sequence change replaces leucine, which is neutral and non-polar, with methionine, which is neutral and non-polar, at codon 65 of the PARN protein (p.Leu65Met).